The following is an entry in ClinVar:

ClinVar aggregate classification (germline): Pathogenic/Likely pathogenic. Review status: criteria provided, multiple submitters, no conflicts (2 of 4 stars). 5 submissions from 5 submitters: Pathogenic (4); Likely pathogenic (1). Last evaluated 2025-01-28.

Conditions:
COL7A1-related disorder. Also called: COL7A1-related condition; COL7A1- related disorders.
Recessive dystrophic epidermolysis bullosa (RDEB). Also called: Hallopeau-Siemens Disease; severe generalized recessive dystrophic epidermolysis bullosa; Epidermolysis Bullosa Distrophica Autosomal Recessive (RDEB); Recessive DEB (RDEB); EPIDERMOLYSIS BULLOSA DYSTROPHICA, GENERALIZED SEVERE, AUTOSOMAL RECESSIVE; epidermolysis bullosa dystrophica, autosomal recessive. Identifiers: Orphanet 79408, Orphanet 79409, MedGen C0079474, MONDO:0009179, OMIM 226600.
Transient bullous dermolysis of the newborn (TBDN). Also called: DYSTROPHIC EPIDERMOLYSIS BULLOSA, NEONATAL; EPIDERMOLYSIS BULLOSA DYSTROPHICA, NEONATAL FORM. Identifiers: Orphanet 79411, MedGen C1851573, MONDO:0007548, OMIM 131705.
Nonsyndromic congenital nail disorder 8. Also called: TOENAIL DYSTROPHY, ISOLATED. Identifiers: MedGen C1843761, MONDO:0011852, OMIM 607523.
Pretibial dystrophic epidermolysis bullosa. Also called: Pretibial epidermolysis bullosa; EPIDERMOLYSIS BULLOSA DYSTROPHICA, PRETIBIAL; Pretibial blistering. Identifiers: Orphanet 79410, MedGen C0432321, MONDO:0007552, OMIM 131850, HP:0012221.
Dominant dystrophic epidermolysis bullosa with absence of skin. Also called: EPIDERMOLYSIS BULLOSA WITH CONGENITAL LOCALIZED ABSENCE OF SKIN AND DEFORMITY OF NAILS; EPIDERMOLYSIS BULLOSA DYSTROPHICA, BART TYPE. Identifiers: MedGen C0268371, MONDO:0007557, OMIM 132000.
Epidermolysis bullosa pruriginosa. Also called: DEB, PRURIGINOSA; DYSTROPHIC EPIDERMOLYSIS BULLOSA PRURIGINOSA. Identifiers: Orphanet 89843, MedGen C1275114, MONDO:0011398, OMIM 604129.
Generalized dominant dystrophic epidermolysis bullosa (DDEB). Also called: Dominant DEB (DDEB); DDEB, generalized; DDEB-gen; DYSTROPHIC EPIDERMOLYSIS BULLOSA, AUTOSOMAL DOMINANT; Epidermolysis bullosa dystrophica, autosomal dominant. Identifiers: Orphanet 231568, MedGen C0432322, MONDO:0007549, OMIM 131750.
Epidermolysis bullosa dystrophica. Also called: Dystrophic epidermolysis bullosa, Hallopeau-Siemens type (formerly); Dystrophic epidermolysis bullosa. Identifiers: Orphanet 303, MedGen C0079294, MONDO:0006543.

gnomAD v4.1: 5 of 1,614,102 alleles (0.00031%); highest among the groups gnomAD compares: African/African-American, 0.0013%; no homozygotes.

Submissions (5):

PreventionGenetics, part of Exact Sciences
Classification: Pathogenic for COL7A1-related condition. Last evaluated: 2025-01-28. Review status: criteria provided, single submitter. Criteria: ACMG Guidelines, 2015. Collection method: clinical testing. Allele origin: germline.
Comment: The COL7A1 c.7621C>T variant is predicted to result in premature protein termination (p.Arg2541*). This variant has been reported in multiple unrelated individuals with recessive dystrophic epidermolysis bullosa (DEB) (Table 1, Kern et al. 2009. PubMed ID: 19681861; Table SII, Almaani et al. 2011. PubMed ID: 21448560; Table S3, Chen et al. 2020. PubMed ID: 32484238; Table 2, Gupta et al. 2023 PubMed ID: 37556444). This variant has not been reported in a large population database, indicating this variant is rare. Nonsense variants in COL7A1 are expected to be pathogenic. This variant is interpreted as pathogenic.

Natera, Inc.
Classification: Pathogenic for Dystrophic epidermolysis bullosa. Last evaluated: 2024-02-25. Review status: criteria provided, single submitter. Criteria: Natera Variant Classification Schema (03/2026). Collection method: clinical testing. Allele origin: germline.
Comment: The c.7621C>T variant in COL7A1 is a nonsense variant predicted to introduce a stop codon at amino acid 2541. This variant is expected to result in nonsense mediated decay, truncation, or a dysfunctional protein product. This variant is rare in the general population with a frequency below the threshold expected for the associated phenotype(s). This variant has been observed in one or more individuals affected with the associated recessive disease, as either homozygous or compound heterozygous with a second variant (PMID: 37556444, 27899325). Given the available evidence, this variant is classified as Pathogenic.

Labcorp Genetics (formerly Invitae), Labcorp
Classification: Pathogenic. Last evaluated: 2023-07-17. Review status: criteria provided, single submitter. Criteria: Invitae Variant Classification Sherloc (09022015). Collection method: clinical testing. Allele origin: germline.
Comment: For these reasons, this variant has been classified as Pathogenic. ClinVar contains an entry for this variant (Variation ID: 1339199). This premature translational stop signal has been observed in individual(s) with autosomal recessive dystrophic epidermolysis bullosa (PMID: 19681861). This variant is not present in population databases (gnomAD no frequency). This sequence change creates a premature translational stop signal (p.Arg2541*) in the COL7A1 gene. It is expected to result in an absent or disrupted protein product. Loss-of-function variants in COL7A1 are known to be pathogenic (PMID: 16971478).

Juno Genomics, Hangzhou Juno Genomics, Inc
Classification: Pathogenic for Recessive dystrophic epidermolysis bullosa; Generalized dominant dystrophic epidermolysis bullosa; Dominant dystrophic epidermolysis bullosa with absence of skin; Nonsyndromic congenital nail disorder 8; Epidermolysis bullosa pruriginosa; Pretibial dystrophic epidermolysis bullosa; Transient bullous dermolysis of the newborn. Review status: criteria provided, single submitter. Criteria: ACMG Guidelines, 2015. Collection method: clinical testing. Allele origin: germline.
Comment: Absent from controls (or at extremely low frequency if recessive) in Genome Aggregation Database.;Null variant in a gene where loss of function (LOF) is a known mechanism of disease.;For recessive disorders, detected in trans with a pathogenic variant.;Patient's phenotype or family history is highly specific for a disease with a single genetic etiology.

Neuberg Centre For Genomic Medicine, NCGM
Classification: Likely pathogenic for Recessive dystrophic epidermolysis bullosa. Review status: criteria provided, single submitter. Criteria: ACMG Guidelines, 2015. Collection method: clinical testing. Allele origin: germline. Affected: yes.
Comment: The stop gained p.R2541* in COL7A1 (NM_000094.3) has not been reported previously as a pathogenic variant nor as a benign variant, to our knowledge. The p.R2541* variant is novel (not in any individuals) in gnomAD Exomes and is novel (not in any individuals) in 1000 Genomes. This variant is predicted to cause loss of normal protein function through protein truncation. Loss of function variants have been previously reported to be disease causing. For these reasons, this variant has been classified as Likely Pathogenic.

Literature cited by the submitters: PubMed 37556444 (cited by Natera, Inc.); PubMed 27899325 (cited by Natera, Inc.); PubMed 19681861 (cited by Labcorp Genetics (formerly Invitae), Labcorp); PubMed 16971478 (cited by Labcorp Genetics (formerly Invitae), Labcorp).

NM_000094.4(COL7A1):c.7621C>T (p.Arg2541Ter)

Gene: COL7A1 (collagen type VII alpha 1 chain; minus strand). Cytogenetic location: 3p21.31.
Variant type: single nucleotide variant.
Coding change: c.7621C>T on transcript NM_000094.4 (MANE Select); coding-DNA position 7621, C replaced by T.
Protein change: p.Arg2541Ter; replaces arginine 2541 with a stop codon.
Molecular consequence: nonsense.
Genome position (GRCh38, 1-based): chr3:48,569,440, G>A on the plus strand (C>T on the coding strand, the complement: COL7A1 is on the minus strand). VCF-style: chr3-48569440-G-A. GRCh37 (hg19) VCF-style: chr3-48606873-G-A.
Other names: c.7621C>T (NM_000094.3); short protein forms R2541*.
Identifiers: ClinVar variation 1339199 (VCV001339199.15), dbSNP rs2107641787, ClinGen allele CA352643993.